The following is an entry in ClinVar:

ClinVar aggregate classification (germline): Uncertain significance (1 of 4 stars; one submission).

Allele frequency attached by ClinVar (database versions not stated): gnomAD exomes below 0.00001.
gnomAD v4.1: 1 of 1,613,700 alleles (0.000062%); highest among the groups gnomAD compares: Admixed American, 0.0017%; no homozygotes.

Submission:

Labcorp Genetics (formerly Invitae), Labcorp
Classification: Uncertain significance. Last evaluated: 2024-08-12. Review status: criteria provided, single submitter. Criteria: Invitae Variant Classification Sherloc (09022015). Collection method: clinical testing. Allele origin: germline.
Comment: This sequence change replaces alanine, which is neutral and non-polar, with valine, which is neutral and non-polar, at codon 4096 of the HERC1 protein (p.Ala4096Val). This variant is not present in population databases (gnomAD no frequency). This variant has not been reported in the literature in individuals affected with HERC1-related conditions. ClinVar contains an entry for this variant (Variation ID: 2185620). Advanced modeling of protein sequence and biophysical properties (such as structural, functional, and spatial information, amino acid conservation, physicochemical variation, residue mobility, and thermodynamic stability) has been performed at Invitae for this missense variant, however the output from this modeling did not meet the statistical confidence thresholds required to predict the impact of this variant on HERC1 protein function. In summary, the available evidence is currently insufficient to determine the role of this variant in disease. Therefore, it has been classified as a Variant of Uncertain Significance.

NM_003922.4(HERC1):c.12287C>T (p.Ala4096Val)

Gene: HERC1 (HECT and RLD domain containing E3 ubiquitin protein ligase family member 1; minus strand). Cytogenetic location: 15q22.31.
Variant type: single nucleotide variant.
Coding change: c.12287C>T on transcript NM_003922.4 (MANE Select); coding-DNA position 12287, C replaced by T.
Protein change: p.Ala4096Val; replaces alanine 4096 with valine.
Molecular consequence: missense variant.
Genome position (GRCh38, 1-based): chr15:63,636,088, G>A on the plus strand (C>T on the coding strand, the complement: HERC1 is on the minus strand). VCF-style: chr15-63636088-G-A. GRCh37 (hg19) VCF-style: chr15-63928287-G-A.
Other names: short protein forms A4096V.
Identifiers: ClinVar variation 2185620 (VCV002185620.3), dbSNP rs2551014998, ClinGen allele CA392741231.